The following is an entry in ClinVar:

NM_000277.3(PAH):c.1219C>A (p.Pro407Thr)

Gene: PAH (phenylalanine hydroxylase; minus strand). Cytogenetic location: 12q23.2.
Variant type: single nucleotide variant.
Coding change: c.1219C>A on transcript NM_000277.3 (MANE Select); coding-DNA position 1219, C replaced by A.
Protein change: p.Pro407Thr; replaces proline 407 with threonine.
Molecular consequence: missense variant.
Genome position (GRCh38, 1-based): chr12:102,840,496, G>T on the plus strand (C>A on the coding strand, the complement: PAH is on the minus strand). VCF-style: chr12-102840496-G-T. GRCh37 (hg19) VCF-style: chr12-103234274-G-T.
Other names: c.1219C>A, p.Pro407Thr (NM_001354304.2); short protein forms P407T.
Identifiers: ClinVar variation 4818087 (VCV004818087.1).

ClinVar aggregate classification (germline): Likely pathogenic (1 of 4 stars; one submission).

Conditions:
Phenylketonuria (PKU). Also called: FOLLING DISEASE; OLIGOPHRENIA PHENYLPYRUVICA; Phenylketonurias; Phenylketonuria (PKU). Identifiers: Orphanet 716, MedGen C0031485, MONDO:0009861, OMIM 261600. Disease mechanism: loss of function.

Submission:

Natera, Inc.
Classification: Likely pathogenic for Phenylketonuria. Last evaluated: 2024-09-30. Review status: criteria provided, single submitter. Criteria: Natera Variant Classification Schema (03/2026). Collection method: clinical testing. Allele origin: germline.
Comment: The c.1219C>A variant in PAH is a missense variant predicted to cause substitution of proline to threonine at amino acid 407. This variant is rare in the general population with a frequency below the threshold expected for the associated phenotype(s). This variant has been observed in one or more individuals affected with the associated recessive disease, as either homozygous or compound heterozygous with a second variant (PMID: 32668217). A different variant at the same position has been determined to be Pathogenic or Likely Pathogenic. Computational prediction algorithms indicate this variant is likely to affect gene or protein function. Given the available evidence, this variant is classified as Likely Pathogenic.

Literature cited by the submitters: PubMed 32668217.